The following is an entry in ClinVar:

NM_001109809.5(ZFP57):c.285C>T (p.Thr95=)

Gene: ZFP57 (ZFP57 zinc finger protein; minus strand). Cytogenetic location: 6p22.1.
Variant type: single nucleotide variant.
Coding change: c.285C>T on transcript NM_001109809.5 (MANE Select); coding-DNA position 285, C replaced by T.
Protein change: p.Thr95=; no amino-acid change (threonine 95 retained).
Molecular consequence: synonymous variant.
Genome position (GRCh38, 1-based): chr6:29,675,453, G>A on the plus strand (C>T on the coding strand, the complement: ZFP57 is on the minus strand). VCF-style: chr6-29675453-G-A. GRCh37 (hg19) VCF-style: chr6-29643230-G-A.
Other names: c.69C>T, p.Thr23= (NM_001366333.2).
Identifiers: ClinVar variation 356220 (VCV000356220.7), dbSNP rs373253380, ClinGen allele CA3690851.

ClinVar aggregate classification (germline): Uncertain significance. Review status: criteria provided, single submitter (1 of 4 stars). 2 submissions from 2 submitters: Uncertain significance (1). 1 of the submissions does not count toward it. Last evaluated 2018-01-13.

Conditions:
ZFP57-related disorder. Also called: ZFP57-related condition.
Diabetes mellitus, transient neonatal, 1 (TNDM1). Also called: Diabetes Mellitus, 6q24-Related Transient Neonatal. Identifiers: Orphanet 99886, MedGen C1832386, MONDO:0011073, OMIM 601410.

Allele frequency attached by ClinVar (database versions not stated): TOPMed 0.00013; gnomAD 0.00014 and 0.00015; gnomAD exomes 0.00014 and 0.00037; ESP Exome Variant Server 0.00016; ExAC 0.00020.
gnomAD v4.1: 551 of 1,613,986 alleles (0.034%); highest among the groups gnomAD compares: Non-Finnish European, 0.043%; no homozygotes.

Submissions (2):

Illumina Laboratory Services, Illumina
Classification: Uncertain significance for Diabetes mellitus, transient neonatal, 1. Last evaluated: 2018-01-13. Review status: criteria provided, single submitter. Criteria: ICSL Variant Classification Criteria 13 December 2019. Collection method: clinical testing. Allele origin: germline.

PreventionGenetics, part of Exact Sciences
Classification: Likely benign for ZFP57-related condition. Last evaluated: 2019-06-24. Review status: no assertion criteria provided. Collection method: clinical testing. Allele origin: germline. Not counted in ClinVar's aggregate classification.
Comment: This variant is classified as likely benign based on ACMG/AMP sequence variant interpretation guidelines (Richards et al. 2015 PMID: 25741868, with internal and published modifications).